The following is an entry in ClinVar:

NM_001267550.2(TTN):c.98390A>G (p.Asn32797Ser)

Genes: TTN (titin; minus strand), TTN-AS1 (TTN antisense RNA 1; plus strand). Cytogenetic location: 2q31.2.
Variant type: single nucleotide variant.
Coding change: c.98390A>G on transcript NM_001267550.2 (MANE Select); coding-DNA position 98390, A replaced by G.
Protein change: p.Asn32797Ser; replaces asparagine 32797 with serine.
Molecular consequence: missense variant. On other transcripts: non-coding transcript variant (1).
Genome position (GRCh38, 1-based): chr2:178,539,675, T>C on the plus strand (A>G on the coding strand, the complement: TTN is on the minus strand). VCF-style: chr2-178539675-T-C. GRCh37 (hg19) VCF-style: chr2-179404402-T-C.
Other names: p.N31156S:AAC>AGC; c.93467A>G, p.Asn31156Ser (NM_001256850.1); c.71195A>G, p.Asn23732Ser (NM_003319.4); c.90686A>G, p.Asn30229Ser (NM_133378.4); c.71570A>G, p.Asn23857Ser (NM_133432.3); c.71771A>G, p.Asn23924Ser (NM_133437.4); short protein forms N32797S, N30229S, N31156S, N23732S, N23857S, N23924S.
Identifiers: ClinVar variation 47600 (VCV000047600.94), dbSNP rs149001703, ClinGen allele CA284164.
Genomic context (GRCh38, chr2:178,539,675, plus strand): 5'-CAGCTGACCCTCACAGAGCGGACTTGGATGTCATCATATTCCAGTGGCCCTTCTGGACTG[T>C]TGGGACTTCCTATCACCCTGACCTTGATGTAGACAGCCTTCTTGCCACATTTATTTTCCA-3'
Protein context (NP_001254479.2, residues 32787-32807): YIKVRVIGSP[Asn32797Ser]SPEGPLEYDD

ClinVar aggregate classification (germline): Conflicting classifications of pathogenicity. Review status: criteria provided, conflicting classifications (1 of 4 stars). 28 submissions from 24 submitters: Uncertain significance (2); Benign (11); Likely benign (8). 7 of the submissions do not count toward it. Last evaluated 2026-09-01.

Conditions:
Cardiovascular phenotype. Identifiers: MedGen CN230736.
Dilated cardiomyopathy 1G (CMD1G). Identifiers: Orphanet 154, MedGen C1858763, MONDO:0011400, OMIM 604145.
Autosomal recessive limb-girdle muscular dystrophy type 2J (LGMDR10). Also called: MUSCULAR DYSTROPHY, LIMB-GIRDLE, AUTOSOMAL RECESSIVE 10; Limb-girdle muscular dystrophy, type 2J. Identifiers: Orphanet 140922, MedGen C1837342, MONDO:0012127, OMIM 608807.
Cardiomyopathy (CMYO). Also called: Cardiomyopathies. Identifiers: Orphanet 167848, MedGen C0878544, MONDO:0004994, HP:0001638. Inheritance: Various modes of inheritance.
Long QT syndrome (LQTS). Identifiers: MedGen C0023976, MeSH D008133, MONDO:0002442. Disease mechanism: loss of function. Inheritance: Various modes of inheritance.
Early-onset myopathy with fatal cardiomyopathy (CMYO5). Also called: CONGENITAL MYOPATHY 5 WITH CARDIOMYOPATHY; Salih Myopathy. Identifiers: Orphanet 289377, MedGen C2673677, MONDO:0012714, OMIM 611705. Disease mechanism: loss of function.
Myopathy, myofibrillar, 9, with early respiratory failure (MFM9). Also called: Myopathy, distal, with early respiratory failure, autosomal dominant; Hereditary myopathy with early respiratory failure; MYOPATHY, PROXIMAL, WITH EARLY RESPIRATORY MUSCLE INVOLVEMENT; EDSTROM MYOPATHY. Identifiers: Orphanet 178464, Orphanet 34521, MedGen C1863599, MONDO:0011362, OMIM 603689.
Tibial muscular dystrophy (TMD). Also called: Udd Distal Myopathy – Tibial Muscular Dystrophy; Tibial muscular dystrophy, tardive; UDD MYOPATHY. Identifiers: Orphanet 609, MedGen C1838244, MONDO:0010870, OMIM 600334.

Allele frequency attached by ClinVar (database versions not stated): 1000 Genomes Project 30x 0.00375; gnomAD exomes 0.00449 and 0.00608; gnomAD 0.00504 and 0.00492; TOPMed 0.00555; 1000 Genomes Project 0.00399; ExAC 0.00436; ESP Exome Variant Server 0.00576.
gnomAD v4.1: 9,601 of 1,613,684 alleles (0.59%); highest among the groups gnomAD compares: Middle Eastern, 1%; 39 homozygotes.

Submissions 1 to 18 of 28:

CeGaT Center for Human Genetics Tuebingen
Classification: Likely benign. Last evaluated: 2026-09-01. Review status: criteria provided, single submitter. Criteria: CeGaT Center For Human Genetics Tuebingen Variant Classification Criteria Version 2. Collection method: clinical testing. Allele origin: germline. Affected: yes. Observed: 91 variant alleles.
Comment: TTN: BP4, BS2

Labcorp Genetics (formerly Invitae), Labcorp
Classification: Benign for Dilated cardiomyopathy 1G; Autosomal recessive limb-girdle muscular dystrophy type 2J. Last evaluated: 2026-02-03. Review status: criteria provided, single submitter. Criteria: Invitae Variant Classification Sherloc (09022015). Collection method: clinical testing. Allele origin: germline.

ARUP Laboratories, Molecular Genetics and Genomics, ARUP Laboratories
Classification: Benign. Last evaluated: 2025-06-06. Review status: criteria provided, single submitter. Criteria: ARUP Molecular Germline Variant Investigation Process 2024. Collection method: clinical testing. Allele origin: germline.

Molecular Diagnostic Laboratory for Inherited Cardiovascular Disease, Montreal Heart Institute
Classification: Likely benign. Last evaluated: 2025-04-09. Review status: criteria provided, single submitter. Criteria: ACMG Guidelines, 2015. Collection method: clinical testing. Allele origin: germline. Affected: no.

Blueprint Genetics
Classification: Likely benign. Last evaluated: 2024-11-25. Review status: criteria provided, single submitter. Criteria: ACMG Guidelines, 2015. Collection method: clinical testing. Allele origin: germline.

Mayo Clinic Laboratories, Mayo Clinic
Classification: Benign. Last evaluated: 2024-06-03. Review status: criteria provided, single submitter. Criteria: ACMG Guidelines, 2015. Collection method: clinical testing. Allele origin: germline. Observed: 42 variant alleles.
Comment: BS1, BS2, BP4

Women's Health and Genetics/Laboratory Corporation of America, LabCorp
Classification: Benign. Last evaluated: 2020-10-19. Review status: criteria provided, single submitter. Criteria: LabCorp Variant Classification Summary - May 2015. Collection method: clinical testing. Allele origin: germline.
Comment: Variant summary: TTN c.90686A>G (p.Asn30229Ser) results in a conservative amino acid change located in the A-band region of the encoded protein sequence. Four of five in-silico tools predict a benign effect of the variant on protein function. The variant allele was found at a frequency of 0.0045 in 248154 control chromosomes, predominantly at a frequency of 0.0071 within the Non-Finnish European subpopulation in the gnomAD database, including 3 homozygotes. The observed variant frequency within Non-Finnish European control individuals in the gnomAD database is approximately 11-fold of the estimated maximal expected allele frequency for a pathogenic variant in TTN causing Cardiomyopathy phenotype (0.00063), strongly suggesting that the variant is a benign polymorphism found primarily in populations of Non-Finnish European origin. Twelve ClinVar submitters (evaluation after 2014) cite the variant as benign/likely benign while one ClinVar submitter (evaluation after 2014) cites it as uncertain significance. Based on the evidence outlined above, the variant was classified as benign.

Center for Advanced Laboratory Medicine, UC San Diego Health, University of California San Diego
Classification: Benign for Long QT Syndrome. Last evaluated: 2018-10-17. Review status: criteria provided, single submitter. Criteria: ACMG Guidelines, 2015. Collection method: clinical testing. Allele origin: germline. Affected: yes. Observed: 2 variant alleles.

Athena Diagnostics
Classification: Benign. Last evaluated: 2018-08-29. Review status: criteria provided, single submitter. Criteria: Athena Diagnostics Criteria. Collection method: clinical testing. Allele origin: germline.

Laboratory for Molecular Medicine, Mass General Brigham Personalized Medicine
Classification: Likely benign. Last evaluated: 2017-08-18. Review status: criteria provided, single submitter. Criteria: LMM Criteria. Collection method: clinical testing. Allele origin: germline. Observed: 24 variant alleles.
Comment: p.Asn30229Ser in exon 301 of TTN: This variant is not expected to have clinical significance because it has been identified in 0.7% (866/125740) of European chr omosomes, including 4 homozygotes, by the Genome Aggregation Database (gnomAD; dbSNP rs149001703).

CHEO Genetics Diagnostic Laboratory, Children's Hospital of Eastern Ontario
Classification: Likely benign for Cardiomyopathy. Last evaluated: 2017-07-14. Review status: criteria provided, single submitter. Criteria: ACMG Guidelines, 2015. Collection method: clinical testing. Allele origin: germline. Study: Canadian Open Genetics Repository.

Illumina Laboratory Services, Illumina
Classification: Uncertain significance for Autosomal recessive limb-girdle muscular dystrophy type 2J. Last evaluated: 2017-04-27. Review status: criteria provided, single submitter. Criteria: ICSL Variant Classification Criteria 13 December 2019. Collection method: clinical testing. Allele origin: germline.

Illumina Laboratory Services, Illumina
Classification: Likely benign for Dilated cardiomyopathy 1G. Last evaluated: 2017-04-27. Review status: criteria provided, single submitter. Criteria: ICSL Variant Classification Criteria 13 December 2019. Collection method: clinical testing. Allele origin: germline.
Comment: This variant was observed as part of a predisposition screen in an ostensibly healthy population. A literature search was performed for the gene, cDNA change, and amino acid change (where applicable). Publications were found based on this search. The evidence from the literature, in combination with allele frequency data from public databases where available, was sufficient to determine this variant is unlikely to cause disease. Therefore, this variant is classified as likely benign.

Illumina Laboratory Services, Illumina
Classification: Benign for Myopathy, myofibrillar, 9, with early respiratory failure. Last evaluated: 2017-04-27. Review status: criteria provided, single submitter. Criteria: ICSL Variant Classification Criteria 13 December 2019. Collection method: clinical testing. Allele origin: germline.
Comment: This variant was observed as part of a predisposition screen in an ostensibly healthy population. A literature search was performed for the gene, cDNA change, and amino acid change (where applicable). No publications were found based on this search. Allele frequency data from public databases was too high to be consistent with this variant causing disease. Therefore, this variant is classified as benign.

Illumina Laboratory Services, Illumina
Classification: Uncertain significance for Early-onset myopathy with fatal cardiomyopathy. Last evaluated: 2017-04-27. Review status: criteria provided, single submitter. Criteria: ICSL Variant Classification Criteria 13 December 2019. Collection method: clinical testing. Allele origin: germline.

Illumina Laboratory Services, Illumina
Classification: Benign for Tibial muscular dystrophy. Last evaluated: 2017-04-27. Review status: criteria provided, single submitter. Criteria: ICSL Variant Classification Criteria 13 December 2019. Collection method: clinical testing. Allele origin: germline.
Comment: the same text as in the submission from Illumina Laboratory Services, Illumina above.

Center for Pediatric Genomic Medicine, Children's Mercy Hospital and Clinics
Classification: Likely benign. Last evaluated: 2016-11-08. Review status: criteria provided, single submitter. Criteria: ACMG Guidelines, 2015. Collection method: clinical testing. Allele origin: germline.
ClinVar note: Converted during submission from Likely Benign to Likely benign.

Ambry Genetics
Classification: Benign for Cardiovascular phenotype. Last evaluated: 2015-09-18. Review status: criteria provided, single submitter. Criteria: Ambry Variant Classification Scheme 2023. Collection method: clinical testing. Allele origin: germline.